The following is an entry in ClinVar:

ClinVar aggregate classification (germline): Uncertain significance. Review status: criteria provided, multiple submitters, no conflicts (2 of 4 stars). 2 submissions from 2 submitters: Uncertain significance (2). Last evaluated 2025-09-07.

Conditions:
Neutropenia, severe congenital, 2, autosomal dominant. Identifiers: Orphanet 486, MedGen C2751288, MONDO:0013139, OMIM 613107.

gnomAD v4.1: 17 of 1,462,644 alleles (0.0012%); highest among the groups gnomAD compares: South Asian, 0.0028%; no homozygotes.

Submissions (2):

Labcorp Genetics (formerly Invitae), Labcorp
Classification: Uncertain significance for Neutropenia, severe congenital, 2, autosomal dominant. Last evaluated: 2025-09-07. Review status: criteria provided, single submitter. Criteria: Invitae Variant Classification Sherloc (09022015). Collection method: clinical testing. Allele origin: germline.
Comment: This sequence change replaces alanine, which is neutral and non-polar, with threonine, which is neutral and polar, at codon 179 of the GFI1 protein (p.Ala179Thr). This variant is present in population databases (no rsID available, gnomAD 0.002%). This variant has not been reported in the literature in individuals affected with GFI1-related conditions. ClinVar contains an entry for this variant (Variation ID: 3519823). Invitae Evidence Modeling of protein sequence and biophysical properties (such as structural, functional, and spatial information, amino acid conservation, physicochemical variation, residue mobility, and thermodynamic stability) indicates that this missense variant is not expected to disrupt GFI1 protein function with a negative predictive value of 80%. In summary, the available evidence is currently insufficient to determine the role of this variant in disease. Therefore, it has been classified as a Variant of Uncertain Significance.

Ambry Genetics
Classification: Uncertain significance. Last evaluated: 2024-11-23. Review status: criteria provided, single submitter. Criteria: Ambry Variant Classification Scheme 2023. Collection method: clinical testing. Allele origin: germline.
Comment: The p.A179T variant (also known as c.535G>A), located in coding exon 3 of the GFI1 gene, results from a G to A substitution at nucleotide position 535. The alanine at codon 179 is replaced by threonine, an amino acid with similar properties. This amino acid position is conserved. In addition, this alteration is predicted to be tolerated by in silico analysis. Based on the available evidence, the clinical significance of this variant remains unclear.

NM_005263.5(GFI1):c.535G>A (p.Ala179Thr)

Gene: GFI1 (growth factor independent 1 transcriptional repressor; minus strand). Cytogenetic location: 1p22.1.
Variant type: single nucleotide variant.
Coding change: c.535G>A on transcript NM_005263.5 (MANE Select); coding-DNA position 535, G replaced by A.
Protein change: p.Ala179Thr; replaces alanine 179 with threonine.
Molecular consequence: missense variant.
Genome position (GRCh38, 1-based): chr1:92,480,852, C>T on the plus strand (G>A on the coding strand, the complement: GFI1 is on the minus strand). VCF-style: chr1-92480852-C-T. GRCh37 (hg19) VCF-style: chr1-92946409-C-T.
Other names: c.535G>A, p.Ala179Thr (NM_001127215.3, NM_001127216.3); short protein forms A179T.
Identifiers: ClinVar variation 3519823 (VCV003519823.3).